The following is an entry in ClinVar:

NM_001999.4(FBN2):c.5044T>A (p.Tyr1682Asn)

Gene: FBN2 (fibrillin 2; minus strand). Cytogenetic location: 5q23.3.
Variant type: single nucleotide variant.
Coding change: c.5044T>A on transcript NM_001999.4 (MANE Select); coding-DNA position 5044, T replaced by A.
Protein change: p.Tyr1682Asn; replaces tyrosine 1682 with asparagine.
Molecular consequence: missense variant.
Genome position (GRCh38, 1-based): chr5:128,311,330, A>T on the plus strand (T>A on the coding strand, the complement: FBN2 is on the minus strand). VCF-style: chr5-128311330-A-T. GRCh37 (hg19) VCF-style: chr5-127647022-A-T.
Other names: short protein forms Y1682N.
Identifiers: ClinVar variation 5006831 (VCV005006831.2).

ClinVar aggregate classification (germline): Uncertain significance (1 of 4 stars; one submission).

Conditions:
Congenital contractural arachnodactyly (CCA). Also called: BEALS SYNDROME; Beals-Hecht syndrome; Arthrogryposis, distal, type 9. Identifiers: Orphanet 115, MedGen C0220668, MONDO:0007363, OMIM 121050.
Macular degeneration, early-onset (EOMD). Identifiers: MedGen C4015286, MONDO:0014501, OMIM 616118.

Submission:

Juno Genomics, Hangzhou Juno Genomics, Inc
Classification: Uncertain significance for Congenital contractural arachnodactyly; Macular degeneration, early-onset. Review status: criteria provided, single submitter. Criteria: ACMG Guidelines, 2015. Collection method: clinical testing. Allele origin: germline.
Comment: Missense variant in a gene that has a low rate of benign missense variation.;Multiple lines of computational evidence support a deleterious effect on the gene or gene product.;Absent from controls (or at extremely low frequency if recessive) in Genome Aggregation Database.